The following is an entry in ClinVar:

ClinVar aggregate classification (germline): Uncertain significance (1 of 4 stars; one submission).

Submission:

Labcorp Genetics (formerly Invitae), Labcorp
Classification: Uncertain significance. Last evaluated: 2025-01-18. Review status: criteria provided, single submitter. Criteria: Invitae Variant Classification Sherloc (09022015). Collection method: clinical testing. Allele origin: germline.
Comment: This sequence change replaces threonine, which is neutral and polar, with proline, which is neutral and non-polar, at codon 430 of the CFH protein (p.Thr430Pro). This variant is not present in population databases (gnomAD no frequency). This variant has not been reported in the literature in individuals affected with CFH-related conditions. An algorithm developed to predict the effect of missense changes on protein structure and function (PolyPhen-2) suggests that this variant is likely to be disruptive. In summary, the available evidence is currently insufficient to determine the role of this variant in disease. Therefore, it has been classified as a Variant of Uncertain Significance.

NM_000186.4(CFH):c.1288A>C (p.Thr430Pro)

Gene: CFH (complement factor H; plus strand). Cytogenetic location: 1q31.3.
Variant type: single nucleotide variant.
Coding change: c.1288A>C on transcript NM_000186.4 (MANE Select); coding-DNA position 1288, A replaced by C.
Protein change: p.Thr430Pro; replaces threonine 430 with proline.
Molecular consequence: missense variant.
Genome position (GRCh38, 1-based): chr1:196,690,191, A>C. VCF-style: chr1-196690191-A-C. GRCh37 (hg19) VCF-style: chr1-196659321-A-C.
Other names: c.1288A>C, p.Thr430Pro (NM_001014975.3); short protein forms T430P.
Identifiers: ClinVar variation 3639786 (VCV003639786.2).